The following is an entry in ClinVar:

ClinVar aggregate classification (germline): Benign. Review status: criteria provided, multiple submitters, no conflicts (2 of 4 stars). 2 submissions from 2 submitters: Benign (2). Last evaluated 2018-06-19.

Allele frequency attached by ClinVar (database versions not stated): 1000 Genomes Project 0.19988; gnomAD 0.20248 and 0.19897; TOPMed 0.19774; 1000 Genomes Project 30x 0.19488; ExAC 0.21979.
gnomAD v4.1: 372,707 of 1,535,478 alleles (24%); highest among the groups gnomAD compares: East Asian, 30%; 47,077 homozygotes.

Submissions (2):

GeneDx
Classification: Benign. Last evaluated: 2018-06-19. Review status: criteria provided, single submitter. Criteria: GeneDx Variant Classification (06012015). Collection method: clinical testing. Allele origin: germline. Affected: yes.
Comment: This variant is considered likely benign or benign based on one or more of the following criteria: it is a conservative change, it occurs at a poorly conserved position in the protein, it is predicted to be benign by multiple in silico algorithms, and/or has population frequency not consistent with disease.

Breakthrough Genomics
Classification: Benign. Review status: criteria provided, single submitter. Criteria: ACMG Guidelines, 2015. Collection method: not provided. Allele origin: germline. Inheritance: Autosomal recessive inheritance. Affected: yes.

NM_022369.3(STRA6):c.-5067C>T

Genes: CCDC33 (coiled-coil domain containing 33; plus strand), STRA6 (signaling receptor and transporter of retinol STRA6; minus strand). Cytogenetic location: 15q24.1.
Variant type: single nucleotide variant.
Coding change: c.-5067C>T on transcript NM_022369.3; 5067 bases upstream of the start codon, C replaced by T.
Molecular consequence: 5 prime UTR variant (on NM_001199041.2). On other transcripts: intron variant (5).
Genome position (GRCh38, 1-based): chr15:74,207,764, G>A on the plus strand (C>T on the coding strand, the complement: STRA6 is on the minus strand). VCF-style: chr15-74207764-G-A. GRCh37 (hg19) VCF-style: chr15-74500105-G-A.
Other names: c.-38C>T (NM_001199041.2); c.-16+4363C>T (NM_001437994.1); c.96+1595C>T (NM_001199040.2); c.-16+1036C>T (NM_001142619.2, NM_001142617.2, NM_001142620.2).
Identifiers: ClinVar variation 675105 (VCV000675105.4), dbSNP rs12915846, ClinGen allele CA7655172.